The following is an entry in ClinVar:

ClinVar aggregate classification (germline): Uncertain significance. Review status: criteria provided, multiple submitters, no conflicts (2 of 4 stars). 2 submissions from 2 submitters: Uncertain significance (2). Last evaluated 2024-06-13.

Allele frequency attached by ClinVar (database versions not stated): TOPMed below 0.00001; gnomAD 0.00001; gnomAD exomes 0.00001.
gnomAD v4.1: 4 of 1,613,688 alleles (0.00025%); highest among the groups gnomAD compares: Non-Finnish European, 0.00017%; no homozygotes.

Submissions (2):

Women's Health and Genetics/Laboratory Corporation of America, LabCorp
Classification: Uncertain significance. Last evaluated: 2024-06-13. Review status: criteria provided, single submitter. Criteria: LabCorp Variant Classification Summary - May 2015. Collection method: clinical testing. Allele origin: germline.
Comment: Variant summary: COL4A2 c.812C>T (p.Pro271Leu) results in a non-conservative amino acid change in the encoded protein sequence. Four of five in-silico tools predict a benign effect of the variant on protein function. The variant allele was found at a frequency of 4e-06 in 249482 control chromosomes. The available data on variant occurrences in the general population are insufficient to allow any conclusion about variant significance. To our knowledge, no occurrence of c.812C>T in individuals affected with Porencephaly 2 and no experimental evidence demonstrating its impact on protein function have been reported. ClinVar contains an entry for this variant (Variation ID: 2570873). Based on the evidence outlined above, the variant was classified as uncertain significance.

CeGaT Center for Human Genetics Tuebingen
Classification: Uncertain significance. Last evaluated: 2023-04-01. Review status: criteria provided, single submitter. Criteria: CeGaT Center For Human Genetics Tuebingen Variant Classification Criteria Version 2. Collection method: clinical testing. Allele origin: germline. Affected: yes. Observed: 1 variant allele.
Comment: COL4A2: PM2

NM_001846.4(COL4A2):c.812C>T (p.Pro271Leu)

Gene: COL4A2 (collagen type IV alpha 2 chain; plus strand). Cytogenetic location: 13q34.
Variant type: single nucleotide variant.
Coding change: c.812C>T on transcript NM_001846.4 (MANE Select); coding-DNA position 812, C replaced by T.
Protein change: p.Pro271Leu; replaces proline 271 with leucine.
Molecular consequence: missense variant.
Genome position (GRCh38, 1-based): chr13:110,436,354, C>T. VCF-style: chr13-110436354-C-T. GRCh37 (hg19) VCF-style: chr13-111088701-C-T.
Other names: short protein forms P271L.
Identifiers: ClinVar variation 2570873 (VCV002570873.28), dbSNP rs1351380678, ClinGen allele CA388731509.